The following is an entry in ClinVar:

NM_001365088.1(SLC12A6):c.1493-13del

Gene: SLC12A6 (solute carrier family 12 member 6; minus strand). Cytogenetic location: 15q14.
Variant type: Deletion.
Coding change: c.1493-13del on transcript NM_001365088.1 (MANE Select); 13 bases into the intron before coding-DNA position 1493, one base deleted (C; older notation c.1493-13delC).
Molecular consequence: intron variant.
Genome position (GRCh38, 1-based): chr15:34,250,742, G deleted on the plus strand (C on the coding strand, the reverse complement: SLC12A6 is on the minus strand); the first of 5 consecutive G bases (chr15:34,250,742-34,250,746); deleting any one gives the same sequence. VCF-style (leftmost placement, unchanged base first): chr15-34250741-AG-A. GRCh37 (hg19) VCF-style: chr15-34542942-AG-A.
Other names: c.1316-13del (NM_001042495.2, NM_001042494.2); c.1466-13del (NM_001042496.2); c.1448-13del (NM_001042497.2); c.1493-13del (NM_133647.2); c.1340-13del (NM_005135.2); c.1493-13delC (NM_133647.1).
Identifiers: ClinVar variation 509252 (VCV000509252.4), dbSNP rs748657003, ClinGen allele CA7464290.

ClinVar aggregate classification (germline): Benign/Likely benign. Review status: criteria provided, multiple submitters, no conflicts (2 of 4 stars). 2 submissions from 2 submitters: Benign (1); Likely benign (1). Last evaluated 2025-09-01.

Submissions (2):

Labcorp Genetics (formerly Invitae), Labcorp
Classification: Benign. Last evaluated: 2025-09-01. Review status: criteria provided, single submitter. Criteria: Invitae Variant Classification Sherloc (09022015). Collection method: clinical testing. Allele origin: germline.

GeneDx
Classification: Likely benign. Last evaluated: 2017-05-02. Review status: criteria provided, single submitter. Criteria: GeneDx Variant Classification (06012015). Collection method: clinical testing. Allele origin: germline. Affected: yes.
Comment: This variant is considered likely benign or benign based on one or more of the following criteria: it is a conservative change, it occurs at a poorly conserved position in the protein, it is predicted to be benign by multiple in silico algorithms, and/or has population frequency not consistent with disease.